The following is an entry in ClinVar:

ClinVar aggregate classification (germline): Likely benign (1 of 4 stars; one submission).

Allele frequency attached by ClinVar (database versions not stated): TOPMed 0.00048; gnomAD exomes 0.00051; ExAC 0.00053; gnomAD 0.00064; ESP Exome Variant Server 0.00085.
gnomAD v4.1: 821 of 1,609,696 alleles (0.051%); highest among the groups gnomAD compares: Non-Finnish European, 0.066%; 3 homozygotes.

Submission:

CeGaT Center for Human Genetics Tuebingen
Classification: Likely benign. Last evaluated: 2022-09-01. Review status: criteria provided, single submitter. Criteria: CeGaT Center For Human Genetics Tuebingen Variant Classification Criteria Version 2. Collection method: clinical testing. Allele origin: germline. Affected: yes. Observed: 1 variant allele.
Comment: TACC2: BP4, BP7

NM_206862.4(TACC2):c.8133G>A (p.Glu2711=)

Gene: TACC2 (transforming acidic coiled-coil containing protein 2; plus strand). Cytogenetic location: 10q26.13.
Variant type: single nucleotide variant.
Coding change: c.8133G>A on transcript NM_206862.4 (MANE Select); coding-DNA position 8133, G replaced by A.
Protein change: p.Glu2711=; no amino-acid change (glutamic acid 2711 retained).
Molecular consequence: synonymous variant.
Genome position (GRCh38, 1-based): chr10:122,237,400, G>A. VCF-style: chr10-122237400-G-A. GRCh37 (hg19) VCF-style: chr10-123996915-G-A.
Other names: c.7767G>A, p.Glu2589= (NM_001291876.2); c.7914G>A, p.Glu2638= (NM_001291877.2); c.2313G>A, p.Glu771= (NM_001291878.2); c.1014G>A, p.Glu338= (NM_001291879.2); c.2367G>A, p.Glu789= (NM_006997.4); c.2277G>A, p.Glu759= (NM_206860.3); c.2571G>A, p.Glu857= (NM_206861.3).
Identifiers: ClinVar variation 2640901 (VCV002640901.24), dbSNP rs141377067, ClinGen allele CA5724316.